The following is an entry in ClinVar:

NM_015650.4(TRAF3IP1):c.568G>A (p.Glu190Lys)

Gene: TRAF3IP1 (TRAF3 interacting protein 1; plus strand). Cytogenetic location: 2q37.3.
Variant type: single nucleotide variant.
Coding change: c.568G>A on transcript NM_015650.4 (MANE Select); coding-DNA position 568, G replaced by A.
Protein change: p.Glu190Lys; replaces glutamic acid 190 with lysine.
Molecular consequence: missense variant.
Genome position (GRCh38, 1-based): chr2:238,328,995, G>A. VCF-style: chr2-238328995-G-A. GRCh37 (hg19) VCF-style: chr2-239237636-G-A.
Other names: c.568G>A, p.Glu190Lys (NM_001139490.1); short protein forms E190K.
Identifiers: ClinVar variation 2129589 (VCV002129589.4), dbSNP rs2469614869, ClinGen allele CA351244382.
Genomic context (GRCh38, chr2:238,328,995, plus strand): 5'-GACGCTGAAATAAAAGAGAGAAGTACAAGCAGAGATCGAAAACAGAAGGAAGAATTGAAA[G>A]AAGACCGCAAGCCAAGAGAAAAGGACAAGGACAAGGAGAAGGCCAAGGAGAATGGCGGAA-3'
Protein context (NP_056465.2, residues 180-200): RDRKQKEELK[Glu190Lys]DRKPREKDKD

ClinVar aggregate classification (germline): Uncertain significance (1 of 4 stars; one submission).

Allele frequency attached by ClinVar (database versions not stated): gnomAD exomes below 0.00001.
gnomAD v4.1: 1 of 1,551,696 alleles (0.000064%); highest among the groups gnomAD compares: Non-Finnish European, 0.000087%; no homozygotes.

Submission:

Labcorp Genetics (formerly Invitae), Labcorp
Classification: Uncertain significance. Last evaluated: 2023-07-17. Review status: criteria provided, single submitter. Criteria: Invitae Variant Classification Sherloc (09022015). Collection method: clinical testing. Allele origin: germline.
Comment: In summary, the available evidence is currently insufficient to determine the role of this variant in disease. Therefore, it has been classified as a Variant of Uncertain Significance. Advanced modeling of protein sequence and biophysical properties (such as structural, functional, and spatial information, amino acid conservation, physicochemical variation, residue mobility, and thermodynamic stability) performed at Invitae indicates that this missense variant is not expected to disrupt TRAF3IP1 protein function. ClinVar contains an entry for this variant (Variation ID: 2129589). This variant has not been reported in the literature in individuals affected with TRAF3IP1-related conditions. This variant is not present in population databases (gnomAD no frequency). This sequence change replaces glutamic acid, which is acidic and polar, with lysine, which is basic and polar, at codon 190 of the TRAF3IP1 protein (p.Glu190Lys).